The following is an entry in ClinVar:

NM_000512.5(GALNS):c.290T>C (p.Phe97Ser)

Gene: GALNS (galactosamine (N-acetyl)-6-sulfatase; minus strand). Cytogenetic location: 16q24.3.
Variant type: single nucleotide variant.
Coding change: c.290T>C on transcript NM_000512.5 (MANE Select); coding-DNA position 290, T replaced by C.
Protein change: p.Phe97Ser; replaces phenylalanine 97 with serine.
Molecular consequence: missense variant. On other transcripts: 5 prime UTR variant (1).
Genome position (GRCh38, 1-based): chr16:88,841,926, A>G on the plus strand (T>C on the coding strand, the complement: GALNS is on the minus strand). VCF-style: chr16-88841926-A-G. GRCh37 (hg19) VCF-style: chr16-88908334-A-G.
Other names: c.-266T>C (NM_001323543.2); c.308T>C, p.Phe103Ser (NM_001323544.2); short protein forms F103S, F97S.
Identifiers: ClinVar variation 3242166 (VCV003242166.2), dbSNP rs2543573812.
Genomic context (GRCh38, chr16:88,841,926, plus strand): 5'-AGGGTGTCCCTGGAGGCGGTGGGCAGCCTACCGTTTCTGGCATGGGCGTTGGTGGTGTAG[A>G]AGCCATTGCGGATGGGTAGCCGTCCTGTGAGCAGTGCCGCCCTCGCTATGTGGAGGTGAC-3'
Protein context (NP_000503.1, residues 87-107): LTGRLPIRNG[Phe97Ser]YTTNAHARNA

ClinVar aggregate classification (germline): Likely pathogenic (1 of 4 stars; one submission).

Conditions:
Mucopolysaccharidosis, MPS-IV-A (MPS4A). Also called: Morquio syndrome A, mild; MORQUIO SYNDROME A; GALACTOSAMINE-6-SULFATASE DEFICIENCY; GALNS DEFICIENCY; MORQUIO A DISEASE; Mucopolysaccharidosis type IV A. Identifiers: Orphanet 309297, Orphanet 582, MedGen C0086651, MONDO:0009659, OMIM 253000.

Submission:

Neuberg Centre For Genomic Medicine, NCGM
Classification: Likely pathogenic for Mucopolysaccharidosis, MPS-IV-A. Review status: criteria provided, single submitter. Criteria: ACMG Guidelines, 2015. Collection method: clinical testing. Allele origin: germline. Inheritance: Autosomal recessive inheritance. Affected: yes.
Comment: The missense c.290T>C (p.Phe97Ser) variant in the GALNS gene which is located in a mutational hot spot has not been reported previously as a pathogenic variant nor as a benign variant, to our knowledge. This variant is absent in gnomAD Exomes. This variant has not been submitted to ClinVar databse. Multiple lines of computational evidence (Polyphen - Damaging, SIFT -Damaging and MutationTaster - Disease causing) predict a damaging effect on protein structure and function for this variant. The amino acid change p.Phe97Ser in GALNS is predicted as conserved by GERP++ and PhyloP across 100 vertebrates. The amino acid Phenylalanine at position 97 is changed to a Serine changing protein sequence and it might alter its composition and physico-chemical properties. Another missense variant change (p.Phe97Val) on the same residue has been reported previously to be disease causing (Montaño, A M et al., 2007), suggesting that this residue might be of clinical significance. For these reasons, this variant has been classified as Likely Pathogenic.